The following is an entry in ClinVar:

ClinVar aggregate classification (germline): Uncertain significance. Review status: criteria provided, multiple submitters, no conflicts (2 of 4 stars). 3 submissions from 3 submitters: Uncertain significance (3). Last evaluated 2026-06-15.

Conditions:
Cardiovascular phenotype. Identifiers: MedGen CN230736.
APOC2-related disorder. Also called: APOC2-related condition.
Familial apolipoprotein C-II deficiency. Also called: APOC2 DEFICIENCY; C-II ANAPOLIPOPROTEINEMIA; HYPERLIPOPROTEINEMIA, TYPE IB. Identifiers: Orphanet 309020, Orphanet 444490, MedGen C1720779, MONDO:0008810, OMIM 207750.

Allele frequency attached by ClinVar (database versions not stated): TOPMed 0.00001.
gnomAD v4.1: 4 of 1,614,002 alleles (0.00025%); highest among the groups gnomAD compares: African/African-American, 0.004%; no homozygotes.

Submissions (3):

PreventionGenetics, part of Exact Sciences
Classification: Uncertain significance for APOC2-related condition. Last evaluated: 2026-06-15. Review status: criteria provided, single submitter. Criteria: ACMG Guidelines, 2015. Collection method: clinical testing. Allele origin: germline.
Comment: The APOC2 c.257C>G variant is predicted to result in the amino acid substitution p.Thr86Arg. This variant has been reported in a cohort of individuals undergoing testing for hypertriglyceridemia, which included individuals with normal levels (Table S2, Deshotels et al. 2022. PubMed ID: 36325899). This variant is reported in 0.0062% of alleles in individuals of African descent in gnomAD. At this time, the clinical significance of this variant is uncertain due to the absence of conclusive functional and genetic evidence.

Ambry Genetics
Classification: Uncertain significance for Cardiovascular phenotype. Last evaluated: 2025-12-15. Review status: criteria provided, single submitter. Criteria: Ambry Variant Classification Scheme 2023. Collection method: clinical testing. Allele origin: germline.

Fulgent Genetics
Classification: Uncertain significance for Familial apolipoprotein C-II deficiency. Last evaluated: 2024-05-29. Review status: criteria provided, single submitter. Criteria: ACMG Guidelines, 2015. Collection method: clinical testing. Allele origin: germline.

NM_000483.5(APOC2):c.257C>G (p.Thr86Arg)

Genes: APOC2 (apolipoprotein C2; plus strand), APOC4-APOC2 (APOC4-APOC2 readthrough (NMD candidate); plus strand). Cytogenetic location: 19q13.32.
Variant type: single nucleotide variant.
Coding change: c.257C>G on transcript NM_000483.5 (MANE Select); coding-DNA position 257, C replaced by G.
Protein change: p.Thr86Arg; replaces threonine 86 with arginine.
Molecular consequence: missense variant. On other transcripts: non-coding transcript variant (1).
Genome position (GRCh38, 1-based): chr19:44,949,200, C>G. VCF-style: chr19-44949200-C-G. GRCh37 (hg19) VCF-style: chr19-45452457-C-G.
Other names: short protein forms T86R.
Identifiers: ClinVar variation 2447633 (VCV002447633.5), dbSNP rs199687805, ClinGen allele CA9506646.
Genomic context (GRCh38, chr19:44,949,200, plus strand): 5'-ATCTGTGCTTTCTCCCCAGGGACTTGTACAGCAAAAGCACAGCAGCCATGAGCACTTACA[C>G]AGGCATTTTTACTGACCAAGTTCTTTCTGTGCTGAAGGGAGAGGAGTAACAGCCAGACCC-3'
Protein context (NP_000474.2, residues 76-96): SKSTAAMSTY[Thr86Arg]GIFTDQVLSV